The following is an entry in ClinVar:

ClinVar aggregate classification (germline): Uncertain significance (1 of 4 stars; one submission).

Conditions:
Cardiovascular phenotype. Identifiers: MedGen CN230736.

Allele frequency attached by ClinVar (database versions not stated): gnomAD exomes below 0.00001; TOPMed 0.00001; gnomAD 0.00003.
gnomAD v4.1: 5 of 1,614,004 alleles (0.00031%); highest among the groups gnomAD compares: African/African-American, 0.0053%; no homozygotes.

Submission:

Ambry Genetics
Classification: Uncertain significance for Cardiovascular phenotype. Last evaluated: 2025-01-16. Review status: criteria provided, single submitter. Criteria: Ambry Variant Classification Scheme 2023. Collection method: clinical testing. Allele origin: germline.
Comment: The p.G402A variant (also known as c.1205G>C), located in coding exon 1 of the DOLK gene, results from a G to C substitution at nucleotide position 1205. The glycine at codon 402 is replaced by alanine, an amino acid with similar properties. This amino acid position is conserved. In addition, this alteration is predicted to be deleterious by in silico analysis. Since supporting evidence is limited at this time, the clinical significance of this alteration remains unclear.

NM_014908.4(DOLK):c.1205G>C (p.Gly402Ala)

Gene: DOLK (dolichol kinase; minus strand). Cytogenetic location: 9q34.11.
Variant type: single nucleotide variant.
Coding change: c.1205G>C on transcript NM_014908.4 (MANE Select); coding-DNA position 1205, G replaced by C.
Protein change: p.Gly402Ala; replaces glycine 402 with alanine.
Molecular consequence: missense variant.
Genome position (GRCh38, 1-based): chr9:128,946,099, C>G on the plus strand (G>C on the coding strand, the complement: DOLK is on the minus strand). VCF-style: chr9-128946099-C-G. GRCh37 (hg19) VCF-style: chr9-131708378-C-G.
Other names: short protein forms G402A.
Identifiers: ClinVar variation 1748680 (VCV001748680.3), dbSNP rs955235262, ClinGen allele CA200444524.